The following is an entry in ClinVar:

ClinVar aggregate classification (germline): Uncertain significance. Review status: criteria provided, multiple submitters, no conflicts (2 of 4 stars). 4 submissions from 4 submitters: Uncertain significance (4). Last evaluated 2025-07-13.

Allele frequency attached by ClinVar (database versions not stated): gnomAD exomes 0.00006; ExAC 0.00007; ESP Exome Variant Server 0.00023; gnomAD 0.00013 and 0.00014; TOPMed 0.00015.
gnomAD v4.1: 38 of 1,614,046 alleles (0.0024%); highest among the groups gnomAD compares: African/African-American, 0.044%; no homozygotes.

Submissions (4):

Ambry Genetics
Classification: Uncertain significance. Last evaluated: 2025-07-13. Review status: criteria provided, single submitter. Criteria: Ambry Variant Classification Scheme 2023. Collection method: clinical testing. Allele origin: germline.

GeneDx
Classification: Uncertain significance. Last evaluated: 2023-08-05. Review status: criteria provided, single submitter. Criteria: GeneDx Variant Classification Process June 2021. Collection method: clinical testing. Allele origin: germline. Affected: yes.
Comment: In silico analysis supports that this missense variant does not alter protein structure/function; Has not been previously published as pathogenic or benign to our knowledge

Labcorp Genetics (formerly Invitae), Labcorp
Classification: Uncertain significance. Last evaluated: 2022-08-09. Review status: criteria provided, single submitter. Criteria: Invitae Variant Classification Sherloc (09022015). Collection method: clinical testing. Allele origin: germline.
Comment: This sequence change replaces glycine, which is neutral and non-polar, with serine, which is neutral and polar, at codon 1308 of the RUSC2 protein (p.Gly1308Ser). This variant is present in population databases (rs140228502, gnomAD 0.07%). This variant has not been reported in the literature in individuals affected with RUSC2-related conditions. ClinVar contains an entry for this variant (Variation ID: 1435103). Algorithms developed to predict the effect of missense changes on protein structure and function output the following: SIFT: "Tolerated"; PolyPhen-2: "Benign"; Align-GVGD: "Class C0". The serine amino acid residue is found in multiple mammalian species, which suggests that this missense change does not adversely affect protein function. In summary, the available evidence is currently insufficient to determine the role of this variant in disease. Therefore, it has been classified as a Variant of Uncertain Significance.

Breakthrough Genomics
Classification: Uncertain significance. Review status: criteria provided, single submitter. Criteria: ACMG Guidelines, 2015. Collection method: not provided. Allele origin: germline. Inheritance: Autosomal recessive inheritance. Affected: yes.

NM_014806.5(RUSC2):c.3922G>A (p.Gly1308Ser)

Gene: RUSC2 (RUN and SH3 domain containing 2; plus strand). Cytogenetic location: 9p13.3.
Variant type: single nucleotide variant.
Coding change: c.3922G>A on transcript NM_014806.5 (MANE Select); coding-DNA position 3922, G replaced by A.
Protein change: p.Gly1308Ser; replaces glycine 1308 with serine.
Molecular consequence: missense variant. On other transcripts: non-coding transcript variant (1).
Genome position (GRCh38, 1-based): chr9:35,560,562, G>A. VCF-style: chr9-35560562-G-A. GRCh37 (hg19) VCF-style: chr9-35560559-G-A.
Other names: c.3922G>A, p.Gly1308Ser (NM_001135999.2); c.1288G>A, p.Gly430Ser (NM_001330740.2); c.3922G>A (NM_001135999.1); short protein forms G1308S, G430S.
Identifiers: ClinVar variation 1435103 (VCV001435103.7), dbSNP rs140228502, ClinGen allele CA5044269.